The following is an entry in ClinVar:

ClinVar aggregate classification (germline): Benign (1 of 4 stars; one submission).

Conditions:
Acrodysostosis 2 with or without hormone resistance. Also called: ACRODYSOSTOSIS 2 WITH HORMONE RESISTANCE; ACRODYSOSTOSIS 2 WITHOUT HORMONE RESISTANCE. Identifiers: Orphanet 280651, MedGen C3553250, MONDO:0013822, OMIM 614613.

Allele frequency attached by ClinVar (database versions not stated): gnomAD 0.03486 and 0.03706; TOPMed 0.03893; 1000 Genomes Project 0.04113; 1000 Genomes Project 30x 0.04372.

Submission:

Illumina Laboratory Services, Illumina
Classification: Benign for Acrodysostosis 2 with or without hormone resistance. Last evaluated: 2018-01-12. Review status: criteria provided, single submitter. Criteria: ICSL Variant Classification Criteria 13 December 2019. Collection method: clinical testing. Allele origin: germline.
Comment: This variant was observed in the ICSL laboratory as part of a predisposition screen in an ostensibly healthy population. It had not been previously curated by ICSL or reported in the Human Gene Mutation Database (HGMD: prior to June 1st, 2018), and was therefore a candidate for classification through an automated scoring system. Utilizing variant allele frequency, disease prevalence and penetrance estimates, and inheritance mode, an automated score was calculated to assess if this variant is too frequent to cause the disease. Based on the score and internal cut-off values, a variant classified as benign is not then subjected to further curation. The score for this variant resulted in a classification of benign for this disease.

NM_001104631.2(PDE4D):c.*4659T>G

Gene: PDE4D (phosphodiesterase 4D; minus strand). Cytogenetic location: 5q11.2.
Variant type: single nucleotide variant.
Coding change: c.*4659T>G on transcript NM_001104631.2 (MANE Select); 4659 bases downstream of the stop codon, T replaced by G.
Molecular consequence: 3 prime UTR variant.
Genome position (GRCh38, 1-based): chr5:58,970,005, A>C on the plus strand (T>G on the coding strand, the complement: PDE4D is on the minus strand). VCF-style: chr5-58970005-A-C. GRCh37 (hg19) VCF-style: chr5-58265832-A-C.
Other names: c.*4659T>G (NM_001165899.2, NM_001197218.2, NM_001197219.2 and 11 more transcripts).
Identifiers: ClinVar variation 353920 (VCV000353920.5), dbSNP rs75820400, ClinGen allele CA10624992.
Genomic context (GRCh38, chr5:58,970,005, plus strand): 5'-TATCAGTACTAACTTATGATGTCACTATCCTTTCATTTCAACCACGTTCAGTATCCTAAG[A>C]GACATGCTGATTGAACTATAATTTAAAATGAATAATCTTTTATTTGTAAAAGATTGAGTC-3'